The following is an entry in ClinVar:

ClinVar aggregate classification (germline): Benign (0 of 4 stars; one submission).

Conditions:
AGBL4-related disorder. Also called: AGBL4-related condition.

Allele frequency attached by ClinVar (database versions not stated): gnomAD exomes 0.00029; ExAC 0.00133; ESP Exome Variant Server 0.00188; 1000 Genomes Project 0.00200; 1000 Genomes Project 30x 0.00234; gnomAD 0.00239; TOPMed 0.00286.
gnomAD v4.1: 792 of 1,555,520 alleles (0.051%); highest among the groups gnomAD compares: African/African-American, 0.87%; 5 homozygotes.

Submission:

PreventionGenetics, part of Exact Sciences
Classification: Benign for AGBL4-related condition. Last evaluated: 2019-11-25. Review status: no assertion criteria provided. Collection method: clinical testing. Allele origin: germline.
Comment: This variant is classified as benign based on ACMG/AMP sequence variant interpretation guidelines (Richards et al. 2015 PMID: 25741868, with internal and published modifications).

NM_032785.4(AGBL4):c.1124G>A (p.Arg375Gln)

Gene: AGBL4 (AGBL carboxypeptidase 4; minus strand). Cytogenetic location: 1p33.
Variant type: single nucleotide variant.
Coding change: c.1124G>A on transcript NM_032785.4 (MANE Select); coding-DNA position 1124, G replaced by A.
Protein change: p.Arg375Gln; replaces arginine 375 with glutamine.
Molecular consequence: missense variant. On other transcripts: non-coding transcript variant (1).
Genome position (GRCh38, 1-based): chr1:48,587,147, C>T on the plus strand (G>A on the coding strand, the complement: AGBL4 is on the minus strand). VCF-style: chr1-48587147-C-T. GRCh37 (hg19) VCF-style: chr1-49052819-C-T.
Other names: c.1160G>A, p.Arg387Gln (NM_001323573.2, NM_001323574.2); c.1124G>A, p.Arg375Gln (NM_001323575.2); short protein forms R375Q, R387Q.
Identifiers: ClinVar variation 3048435 (VCV003048435.2), dbSNP rs138271641, ClinGen allele CA844715.